The following is an entry in ClinVar:

NM_024740.2(ALG9):c.172G>A (p.Gly58Arg)

Gene: ALG9 (ALG9 alpha-1,2-mannosyltransferase; minus strand). Cytogenetic location: 11q23.1.
Variant type: single nucleotide variant.
Coding change: c.172G>A on transcript NM_024740.2 (MANE Select); coding-DNA position 172, G replaced by A.
Protein change: p.Gly58Arg; replaces glycine 58 with arginine.
Molecular consequence: missense variant. On other transcripts: 5 prime UTR variant (14), non-coding transcript variant (1), intron variant (1).
Genome position (GRCh38, 1-based): chr11:111,870,330, C>T on the plus strand (G>A on the coding strand, the complement: ALG9 is on the minus strand). VCF-style: chr11-111870330-C-T. GRCh37 (hg19) VCF-style: chr11-111741053-C-T.
Other names: c.172G>A, p.Gly58Arg (NM_001077690.1, NM_001352417.1, NM_001352418.1); c.-342G>A (NM_001077691.2, NM_001077692.2, NM_001352412.2 and 5 more transcripts); c.-346G>A (NM_001352410.1, NM_001352411.2, NM_001352413.1 and 2 more transcripts); c.-560G>A (NM_001352422.2); c.-244+1022G>A (NM_001352409.1); short protein forms G58R.
Identifiers: ClinVar variation 3345752 (VCV003345752.1).

ClinVar aggregate classification (germline): Uncertain significance (0 of 4 stars; one submission).

Conditions:
ALG9-related disorder. Also called: ALG9-related condition.

gnomAD v4.1: 3 of 1,596,066 alleles (0.00019%); highest among the groups gnomAD compares: Non-Finnish European, 0.00026%; no homozygotes.

Submission:

PreventionGenetics, part of Exact Sciences
Classification: Uncertain significance for ALG9-related condition. Last evaluated: 2024-05-31. Review status: no assertion criteria provided. Collection method: clinical testing. Allele origin: germline.
Comment: The ALG9 c.172G>A variant is predicted to result in the amino acid substitution p.Gly58Arg. To our knowledge, this variant has not been reported in the literature or in a large population database, indicating this variant is rare. At this time, the clinical significance of this variant is uncertain due to the absence of conclusive functional and genetic evidence.